The following is an entry in ClinVar:

ClinVar aggregate classification (germline): Uncertain significance. Review status: criteria provided, multiple submitters, no conflicts (2 of 4 stars). 4 submissions from 4 submitters: Uncertain significance (4). Last evaluated 2026-07-21.

Conditions:
Inborn genetic diseases. Identifiers: MedGen C0950123, MeSH D030342.

Allele frequency attached by ClinVar (database versions not stated): ExAC 0.00010; TOPMed 0.00032; gnomAD exomes 0.00002 and 0.00012; gnomAD 0.00019 and 0.00023; 1000 Genomes Project 0.00020; 1000 Genomes Project 30x 0.00016; ESP Exome Variant Server 0.00031.
gnomAD v4.1: 62 of 1,614,212 alleles (0.0038%); highest among the groups gnomAD compares: African/African-American, 0.055%; no homozygotes.

Submissions (4):

GeneDx
Classification: Uncertain significance. Last evaluated: 2026-07-21. Review status: criteria provided, single submitter. Criteria: GeneDx Variant Classification Process June 2021. Collection method: clinical testing. Allele origin: germline.
Comment: In silico analysis supports that this missense variant has a deleterious effect on protein structure/function; Has not been previously published as pathogenic or benign to our knowledge

Ambry Genetics
Classification: Uncertain significance for Inborn genetic diseases. Last evaluated: 2024-10-19. Review status: criteria provided, single submitter. Criteria: Ambry Variant Classification Scheme 2023. Collection method: clinical testing. Allele origin: germline.

Labcorp Genetics (formerly Invitae), Labcorp
Classification: Uncertain significance. Last evaluated: 2022-09-27. Review status: criteria provided, single submitter. Criteria: Invitae Variant Classification Sherloc (09022015). Collection method: clinical testing. Allele origin: germline.
Comment: This sequence change replaces arginine, which is basic and polar, with cysteine, which is neutral and slightly polar, at codon 105 of the MRPL44 protein (p.Arg105Cys). This variant is present in population databases (rs144037629, gnomAD 0.07%). This variant has not been reported in the literature in individuals affected with MRPL44-related conditions. ClinVar contains an entry for this variant (Variation ID: 214667). Algorithms developed to predict the effect of missense changes on protein structure and function are either unavailable or do not agree on the potential impact of this missense change (SIFT: "Deleterious"; PolyPhen-2: "Probably Damaging"; Align-GVGD: "Class C0"). In summary, the available evidence is currently insufficient to determine the role of this variant in disease. Therefore, it has been classified as a Variant of Uncertain Significance.

Genomic Research Center, Shahid Beheshti University of Medical Sciences
Classification: Uncertain significance. Last evaluated: 2020-05-03. Review status: criteria provided, single submitter. Criteria: ACMG Guidelines, 2015. Collection method: clinical testing. Allele origin: unknown. Affected: no.

NM_022915.5(MRPL44):c.313C>T (p.Arg105Cys)

Gene: MRPL44 (mitochondrial ribosomal protein L44; plus strand). Cytogenetic location: 2q36.1.
Variant type: single nucleotide variant.
Coding change: c.313C>T on transcript NM_022915.5 (MANE Select); coding-DNA position 313, C replaced by T.
Protein change: p.Arg105Cys; replaces arginine 105 with cysteine.
Molecular consequence: missense variant.
Genome position (GRCh38, 1-based): chr2:223,959,667, C>T. VCF-style: chr2-223959667-C-T. GRCh37 (hg19) VCF-style: chr2-224824384-C-T.
Other names: p.R105C:CGC>TGC; short protein forms R105C.
Identifiers: ClinVar variation 214667 (VCV000214667.15), dbSNP rs144037629, ClinGen allele CA320916.